The following is an entry in ClinVar:

ClinVar aggregate classification (germline): Uncertain significance (1 of 4 stars; one submission).

Allele frequency attached by ClinVar (database versions not stated): gnomAD 0.00001.
gnomAD v4.1: 8 of 1,613,512 alleles (0.0005%); highest among the groups gnomAD compares: Non-Finnish European, 0.00059%; no homozygotes.

Submission:

Labcorp Genetics (formerly Invitae), Labcorp
Classification: Uncertain significance. Last evaluated: 2023-10-13. Review status: criteria provided, single submitter. Criteria: Invitae Variant Classification Sherloc (09022015). Collection method: clinical testing. Allele origin: germline.
Comment: This sequence change replaces glutamic acid, which is acidic and polar, with lysine, which is basic and polar, at codon 154 of the STX3 protein (p.Glu154Lys). This variant is present in population databases (rs201661485, gnomAD 0.003%). This variant has not been reported in the literature in individuals affected with STX3-related conditions. ClinVar contains an entry for this variant (Variation ID: 2076561). An algorithm developed to predict the effect of missense changes on protein structure and function (PolyPhen-2) suggests that this variant is likely to be disruptive. In summary, the available evidence is currently insufficient to determine the role of this variant in disease. Therefore, it has been classified as a Variant of Uncertain Significance.

NM_004177.5(STX3):c.460G>A (p.Glu154Lys)

Gene: STX3 (syntaxin 3; plus strand). Cytogenetic location: 11q12.1.
Variant type: single nucleotide variant.
Coding change: c.460G>A on transcript NM_004177.5 (MANE Select); coding-DNA position 460, G replaced by A.
Protein change: p.Glu154Lys; replaces glutamic acid 154 with lysine.
Molecular consequence: missense variant.
Genome position (GRCh38, 1-based): chr11:59,792,209, G>A. VCF-style: chr11-59792209-G-A. GRCh37 (hg19) VCF-style: chr11-59559682-G-A.
Other names: c.460G>A, p.Glu154Lys (NM_001178040.3); short protein forms E154K.
Identifiers: ClinVar variation 2076561 (VCV002076561.3), dbSNP rs201661485, ClinGen allele CA223233664.